The following is an entry in ClinVar:

ClinVar aggregate classification (germline): Likely pathogenic. Review status: criteria provided, multiple submitters, no conflicts (2 of 4 stars). 2 submissions from 2 submitters: Likely pathogenic (2). Last evaluated 2025-07-03.

Conditions:
LAMA2-related muscular dystrophy (LAMA2-RD). Also called: Laminin alpha 2-related dystrophy. Identifiers: MedGen C5679788, MONDO:0100228.

Submissions (2):

Mayo Clinic Laboratories, Mayo Clinic
Classification: Likely pathogenic. Last evaluated: 2025-07-03. Review status: criteria provided, single submitter. Criteria: ACMG Guidelines, 2015. Collection method: clinical testing. Allele origin: germline. Observed: 1 variant allele.
Comment: PM2_supporting, PVS1

Labcorp Genetics (formerly Invitae), Labcorp
Classification: Likely pathogenic for LAMA2-related muscular dystrophy. Last evaluated: 2025-01-08. Review status: criteria provided, single submitter. Criteria: Invitae Variant Classification Sherloc (09022015). Collection method: clinical testing. Allele origin: germline.
Comment: This sequence change affects a donor splice site in intron 49 of the LAMA2 gene. It is expected to disrupt RNA splicing. Variants that disrupt the donor or acceptor splice site typically lead to a loss of protein function (PMID: 16199547), and loss-of-function variants in LAMA2 are known to be pathogenic (PMID: 18700894, 32904964). This variant is not present in population databases (gnomAD no frequency). This variant has not been reported in the literature in individuals affected with LAMA2-related conditions. Algorithms developed to predict the effect of sequence changes on RNA splicing suggest that this variant may disrupt the consensus splice site. In summary, the currently available evidence indicates that the variant is pathogenic, but additional data are needed to prove that conclusively. Therefore, this variant has been classified as Likely Pathogenic.

Literature cited by the submitters: PubMed 16199547 (cited by Labcorp Genetics (formerly Invitae), Labcorp); PubMed 18700894 (cited by Labcorp Genetics (formerly Invitae), Labcorp); PubMed 32904964 (cited by Labcorp Genetics (formerly Invitae), Labcorp).

NM_000426.4(LAMA2):c.6992+1G>A

Gene: LAMA2 (laminin subunit alpha 2; plus strand). Cytogenetic location: 6q22.33.
Variant type: single nucleotide variant.
Coding change: c.6992+1G>A on transcript NM_000426.4 (MANE Select); the canonical splice donor site of the intron after coding-DNA position 6992, G replaced by A.
Molecular consequence: splice donor variant.
Genome position (GRCh38, 1-based): chr6:129,460,325, G>A. VCF-style: chr6-129460325-G-A. GRCh37 (hg19) VCF-style: chr6-129781470-G-A.
Other names: c.6992+1G>A (NM_000426.3, NM_001079823.2).
Identifiers: ClinVar variation 3677594 (VCV003677594.3).